The following is an entry in ClinVar:

ClinVar aggregate classification (germline): Likely benign (1 of 4 stars; one submission).

Allele frequency attached by ClinVar (database versions not stated): gnomAD exomes below 0.00001.
gnomAD v4.1: 1 of 1,613,540 alleles (0.000062%); highest among the groups gnomAD compares: East Asian, 0.0022%; no homozygotes.

Submission:

CeGaT Center for Human Genetics Tuebingen
Classification: Likely benign. Last evaluated: 2023-07-01. Review status: criteria provided, single submitter. Criteria: CeGaT Center For Human Genetics Tuebingen Variant Classification Criteria Version 2. Collection method: clinical testing. Allele origin: germline. Affected: yes. Observed: 1 variant allele.
Comment: KDM5B: PM2:Supporting, BP4, BP7

NM_006618.5(KDM5B):c.2157A>G (p.Val719=)

Gene: KDM5B (lysine demethylase 5B; minus strand). Cytogenetic location: 1q32.1.
Variant type: single nucleotide variant.
Coding change: c.2157A>G on transcript NM_006618.5 (MANE Select); coding-DNA position 2157, A replaced by G.
Protein change: p.Val719=; no amino-acid change (valine 719 retained).
Molecular consequence: synonymous variant.
Genome position (GRCh38, 1-based): chr1:202,746,183, T>C on the plus strand (A>G on the coding strand, the complement: KDM5B is on the minus strand). VCF-style: chr1-202746183-T-C. GRCh37 (hg19) VCF-style: chr1-202715311-T-C.
Other names: c.2265A>G, p.Val755= (NM_001314042.2); c.2022A>G, p.Val674= (NM_001347591.2); c.2142A>G, p.Val714= (NM_001399817.1).
Identifiers: ClinVar variation 2639799 (VCV002639799.24), dbSNP rs2527486020, ClinGen allele CA422798088.